The following is an entry in ClinVar:

ClinVar aggregate classification (germline): Uncertain significance (1 of 4 stars; one submission).

Conditions:
Low phospholipid associated cholelithiasis (GBD1). Also called: Gallbladder disease 1; Gallstone cholecystitis. Identifiers: Orphanet 69663, MedGen C2609268, MONDO:0010939, OMIM 600803.

gnomAD v4.1: 1 of 1,605,890 alleles (0.000062%); highest among the groups gnomAD compares: Non-Finnish European, 0.000085%; no homozygotes.

Submission:

Genomenon, Inc
Classification: Uncertain significance for Low phospholipid associated cholelithiasis. Last evaluated: 2026-04-14. Review status: criteria provided, single submitter. Criteria: Genomenon Sequence Variant Interpretation Standards - Updated. Collection method: curation. Allele origin: germline. Affected: yes.
Comment: ABCB4 c.135+5G>T is an intronic variant located in the donor splice region of intron 3. This variant has been observed in at least one proband with an ABCB4-related disorder (PMID:32893960). It is absent or not present at a significant frequency in gnomAD. In silico models predict that this variant is possibly or probably damaging. In conclusion, we classify ABCB4 c.135+5G>T as a variant of uncertain significance.

Literature cited by the submitters: PubMed 32893960.

NM_000443.4(ABCB4):c.135+5G>T

Gene: ABCB4 (ATP binding cassette subfamily B member 4; minus strand). Cytogenetic location: 7q21.12.
Variant type: single nucleotide variant.
Coding change: c.135+5G>T on transcript NM_000443.4 (MANE Select); 5 bases into the intron after coding-DNA position 135, G replaced by T.
Molecular consequence: intron variant.
Genome position (GRCh38, 1-based): chr7:87,472,616, C>A on the plus strand (G>T on the coding strand, the complement: ABCB4 is on the minus strand). VCF-style: chr7-87472616-C-A. GRCh37 (hg19) VCF-style: chr7-87101932-C-A.
Other names: c.135+5G>T (NM_018850.3, NM_018849.3).
Identifiers: ClinVar variation 4846336 (VCV004846336.1).